The following is an entry in ClinVar:

ClinVar aggregate classification (germline): Likely benign (1 of 4 stars; one submission).

Allele frequency attached by ClinVar (database versions not stated): gnomAD 0.00549 and 0.00607; TOPMed 0.00639; ESP Exome Variant Server 0.00669; gnomAD exomes 0.00767 and 0.00864; ExAC 0.00768; 1000 Genomes Project 30x 0.01031; 1000 Genomes Project 0.01038.
gnomAD v4.1: 13,516 of 1,610,740 alleles (0.84%); highest among the groups gnomAD compares: East Asian, 3.5%; 86 homozygotes.

Submission:

GeneDx
Classification: Likely benign. Last evaluated: 2018-06-16. Review status: criteria provided, single submitter. Criteria: GeneDx Variant Classification (06012015). Collection method: clinical testing. Allele origin: germline. Affected: yes.
Comment: This variant is considered likely benign or benign based on one or more of the following criteria: it is a conservative change, it occurs at a poorly conserved position in the protein, it is predicted to be benign by multiple in silico algorithms, and/or has population frequency not consistent with disease.

NM_017882.3(CLN6):c.487-39C>T

Gene: CLN6 (CLN6 transmembrane ER protein; minus strand). Cytogenetic location: 15q23.
Variant type: single nucleotide variant.
Coding change: c.487-39C>T on transcript NM_017882.3 (MANE Select); 39 bases into the intron before coding-DNA position 487, C replaced by T.
Molecular consequence: intron variant.
Genome position (GRCh38, 1-based): chr15:68,211,357, G>A on the plus strand (C>T on the coding strand, the complement: CLN6 is on the minus strand). VCF-style: chr15-68211357-G-A. GRCh37 (hg19) VCF-style: chr15-68503695-G-A.
Identifiers: ClinVar variation 673507 (VCV000673507.1), dbSNP rs116956347, ClinGen allele CA7630581.